The following is an entry in ClinVar:

NC_000020.10:g.(?_25295561)_(25300954_?)del

Gene: ABHD12 (abhydrolase domain containing 12, lysophospholipase; minus strand). Cytogenetic location: 20p11.21.
Variant type: Deletion.
Identifiers: ClinVar variation 1072226 (VCV001072226.1).

ClinVar aggregate classification (germline): Pathogenic (1 of 4 stars; one submission).

Submission:

Labcorp Genetics (formerly Invitae), Labcorp
Classification: Pathogenic. Last evaluated: 2020-07-30. Review status: criteria provided, single submitter. Criteria: Invitae Variant Classification Sherloc (09022015). Collection method: clinical testing. Allele origin: germline.
Comment: This variant is an out-of-frame deletion of the genomic region encompassing exon(s) 4-6 of the ABHD12 gene. This is expected to create a premature translational stop signal and result in an absent or disrupted protein product. This variant has not been reported in the literature in individuals with ABHD12-related conditions. Loss-of-function variants in ABHD12 are known to be pathogenic (PMID: 20797687). For these reasons, this variant has been classified as Pathogenic.

Literature cited by the submitters: PubMed 20797687.